The following is an entry in ClinVar:

ClinVar aggregate classification (germline): Benign/Likely benign. Review status: criteria provided, multiple submitters, no conflicts (2 of 4 stars). 10 submissions from 10 submitters: Benign (1); Likely benign (9). Last evaluated 2026-01-19.

Conditions:
Cardiovascular phenotype. Identifiers: MedGen CN230736.
Cardiomyopathy (CMYO). Also called: Cardiomyopathies. Identifiers: Orphanet 167848, MedGen C0878544, MONDO:0004994, HP:0001638. Inheritance: Various modes of inheritance.
Catecholaminergic polymorphic ventricular tachycardia 1. Also called: VENTRICULAR TACHYCARDIA, CATECHOLAMINERGIC POLYMORPHIC, 1, WITH OR WITHOUT ATRIAL DYSFUNCTION AND/OR DILATED CARDIOMYOPATHY; VENTRICULAR TACHYCARDIA, STRESS-INDUCED POLYMORPHIC 1; RYR2-Related Catecholaminergic Polymorphic Ventricular Tachycardia. Identifiers: Orphanet 3286, MedGen C1631597, MONDO:0011484, OMIM 604772.
Catecholaminergic polymorphic ventricular tachycardia (CVPT). Also called: Catecholamine-induced polymorphic ventricular tachycardia. Identifiers: Orphanet 3286, MedGen C5574922, MONDO:0017990.

Allele frequency attached by ClinVar (database versions not stated): gnomAD exomes 0.00005 and 0.00008; ExAC 0.00009; 1000 Genomes Project 30x 0.00016; 1000 Genomes Project 0.00020; gnomAD 0.00034 and 0.00038; TOPMed 0.00037.
gnomAD v4.1: 119 of 1,553,524 alleles (0.0077%); highest among the groups gnomAD compares: African/African-American, 0.1%; 1 homozygote.

Submissions (10):

Labcorp Genetics (formerly Invitae), Labcorp
Classification: Likely benign for Catecholaminergic polymorphic ventricular tachycardia 1. Last evaluated: 2026-01-19. Review status: criteria provided, single submitter. Criteria: Invitae Variant Classification Sherloc (09022015). Collection method: clinical testing. Allele origin: germline.

Mayo Clinic Laboratories, Mayo Clinic
Classification: Likely benign. Last evaluated: 2025-09-30. Review status: criteria provided, single submitter. Criteria: ACMG Guidelines, 2015. Collection method: clinical testing. Allele origin: germline. Observed: 1 variant allele.
Comment: BS1, BP4, BP7

ARUP Laboratories, Molecular Genetics and Genomics, ARUP Laboratories
Classification: Likely benign. Last evaluated: 2025-05-14. Review status: criteria provided, single submitter. Criteria: ARUP Molecular Germline Variant Investigation Process 2024. Collection method: clinical testing. Allele origin: germline.

Blueprint Genetics
Classification: Likely benign. Last evaluated: 2024-10-25. Review status: criteria provided, single submitter. Criteria: ACMG Guidelines, 2015. Collection method: clinical testing. Allele origin: germline.

All of Us Research Program, National Institutes of Health
Classification: Likely benign for Catecholaminergic polymorphic ventricular tachycardia. Last evaluated: 2024-02-05. Review status: criteria provided, single submitter. Criteria: ACMG Guidelines, 2015. Collection method: clinical testing. Allele origin: germline. Inheritance: Autosomal dominant inheritance. Observed: 26 variant alleles, 26 heterozygotes.
Comment: This study involves interpretation of variants in research participants for the purpose of population health screening. Participant phenotype was not available at the time of variant classification. Additional details can be found in publication PMID: 35346344, PMCID: PMC8962531

Ambry Genetics
Classification: Likely benign for Cardiovascular phenotype. Last evaluated: 2018-12-19. Review status: criteria provided, single submitter. Criteria: Ambry Variant Classification Scheme 2023. Collection method: clinical testing. Allele origin: germline.

Color Diagnostics, LLC DBA Color Health
Classification: Likely benign for Cardiomyopathy. Last evaluated: 2018-05-29. Review status: criteria provided, single submitter. Criteria: ACMG Guidelines, 2015. Collection method: clinical testing. Allele origin: germline.

GeneDx
Classification: Benign. Last evaluated: 2015-12-04. Review status: criteria provided, single submitter. Criteria: GeneDx Variant Classification (06012015). Collection method: clinical testing. Allele origin: germline. Affected: yes.
Comment: This variant is considered likely benign or benign based on one or more of the following criteria: it is a conservative change, it occurs at a poorly conserved position in the protein, it is predicted to be benign by multiple in silico algorithms, and/or has population frequency not consistent with disease.

Laboratory for Molecular Medicine, Mass General Brigham Personalized Medicine
Classification: Likely benign. Last evaluated: 2012-01-09. Review status: criteria provided, single submitter. Criteria: LMM Criteria. Collection method: clinical testing. Allele origin: germline. Observed: 1 variant allele.
Comment: Asp3832Asp in exon 85 of RYR2: This variant is not expected to have clinical sig nificance because it does not alter an amino acid residue and is not located wit hin the splice consensus sequence. Asp3832Asp in exon 85 of RYR2 (allele freque ncy = n/a)

PreventionGenetics, part of Exact Sciences
Classification: Likely benign. Review status: criteria provided, single submitter. Criteria: ACMG Guidelines, 2015. Collection method: clinical testing. Allele origin: germline.

NM_001035.3(RYR2):c.11496C>T (p.Asp3832=)

Gene: RYR2 (ryanodine receptor 2; plus strand). Cytogenetic location: 1q43.
Variant type: single nucleotide variant.
Coding change: c.11496C>T on transcript NM_001035.3 (MANE Select); coding-DNA position 11496, C replaced by T.
Protein change: p.Asp3832=; no amino-acid change (aspartic acid 3832 retained).
Molecular consequence: synonymous variant.
Genome position (GRCh38, 1-based): chr1:237,770,826, C>T. VCF-style: chr1-237770826-C-T. GRCh37 (hg19) VCF-style: chr1-237934126-C-T.
Other names: p.Asp3832=.
Identifiers: ClinVar variation 43712 (VCV000043712.31), dbSNP rs397516505, ClinGen allele CA007053.